The following is an entry in ClinVar:

NM_000256.3(MYBPC3):c.3572C>A (p.Ser1191Ter)

Gene: MYBPC3 (myosin binding protein C3; minus strand). Cytogenetic location: 11p11.2.
Variant type: single nucleotide variant.
Coding change: c.3572C>A on transcript NM_000256.3 (MANE Select); coding-DNA position 3572, C replaced by A.
Protein change: p.Ser1191Ter; replaces serine 1191 with a stop codon.
Molecular consequence: nonsense.
Genome position (GRCh38, 1-based): chr11:47,332,621, G>T on the plus strand (C>A on the coding strand, the complement: MYBPC3 is on the minus strand). VCF-style: chr11-47332621-G-T. GRCh37 (hg19) VCF-style: chr11-47354172-G-T.
Other names: short protein forms S1191*.
Identifiers: ClinVar variation 951054 (VCV000951054.7), dbSNP rs761545914, ClinGen allele CA380312515.

ClinVar aggregate classification (germline): Pathogenic (1 of 4 stars; one submission).

Conditions:
Hypertrophic cardiomyopathy. Also called: HYPERTROPHIC MYOCARDIOPATHY. Identifiers: Orphanet 217569, MedGen C0007194, MeSH D002312, MONDO:0005045, HP:0001639.

Submission:

Labcorp Genetics (formerly Invitae), Labcorp
Classification: Pathogenic for Hypertrophic cardiomyopathy. Last evaluated: 2024-09-16. Review status: criteria provided, single submitter. Criteria: Invitae Variant Classification Sherloc (09022015). Collection method: clinical testing. Allele origin: germline.
Comment: This sequence change creates a premature translational stop signal (p.Ser1191*) in the MYBPC3 gene. It is expected to result in an absent or disrupted protein product. Loss-of-function variants in MYBPC3 are known to be pathogenic (PMID: 19574547). This variant is not present in population databases (gnomAD no frequency). This variant has not been reported in the literature in individuals affected with MYBPC3-related conditions. ClinVar contains an entry for this variant (Variation ID: 951054). For these reasons, this variant has been classified as Pathogenic.

Literature cited by the submitters: PubMed 19574547.